The following is an entry in ClinVar:

NM_000632.4(ITGAM):c.1955G>T (p.Arg652Ile)

Gene: ITGAM (integrin subunit alpha M; plus strand). Cytogenetic location: 16p11.2.
Variant type: single nucleotide variant.
Coding change: c.1955G>T on transcript NM_000632.4 (MANE Select); coding-DNA position 1955, G replaced by T.
Protein change: p.Arg652Ile; replaces arginine 652 with isoleucine.
Molecular consequence: missense variant.
Genome position (GRCh38, 1-based): chr16:31,321,580, G>T. VCF-style: chr16-31321580-G-T. GRCh37 (hg19) VCF-style: chr16-31332901-G-T.
Other names: c.1958G>T, p.Arg653Ile (NM_001145808.2); short protein forms R653I, R652I.
Identifiers: ClinVar variation 2838043 (VCV002838043.3), dbSNP rs1247181445, ClinGen allele CA395682477.
Genomic context (GRCh38, chr16:31,321,580, plus strand): 5'-CAAGGAATGTATTTGAGTGTAATGATCAGGTGGTGAAAGGCAAGGAAGCCGGAGAGGTCA[G>T]AGTCTGCCTCCATGTCCAGAAGAGCACACGGGATCGGCTAAGAGAAGGTGAGGCTTGGTG-3'
Protein context (NP_000623.2, residues 642-662): VVKGKEAGEV[Arg652Ile]VCLHVQKSTR

ClinVar aggregate classification (germline): Uncertain significance (1 of 4 stars; one submission).

Allele frequency attached by ClinVar (database versions not stated): gnomAD exomes below 0.00001; TOPMed below 0.00001.
gnomAD v4.1: 5 of 1,614,030 alleles (0.00031%); highest among the groups gnomAD compares: Non-Finnish European, 0.00034%; no homozygotes.

Submission:

Labcorp Genetics (formerly Invitae), Labcorp
Classification: Uncertain significance. Last evaluated: 2023-02-23. Review status: criteria provided, single submitter. Criteria: Invitae Variant Classification Sherloc (09022015). Collection method: clinical testing. Allele origin: germline.
Comment: This variant is present in population databases (no rsID available, gnomAD 0.0009%). This sequence change replaces arginine, which is basic and polar, with isoleucine, which is neutral and non-polar, at codon 652 of the ITGAM protein (p.Arg652Ile). In summary, the available evidence is currently insufficient to determine the role of this variant in disease. Therefore, it has been classified as a Variant of Uncertain Significance. An algorithm developed to predict the effect of missense changes on protein structure and function (PolyPhen-2) suggests that this variant is likely to be disruptive. This variant has not been reported in the literature in individuals affected with ITGAM-related conditions.